The following is an entry in ClinVar:

NM_206933.4(USH2A):c.6673G>A (p.Gly2225Arg)

Gene: USH2A (usherin; minus strand). Cytogenetic location: 1q41.
Variant type: single nucleotide variant.
Coding change: c.6673G>A on transcript NM_206933.4 (MANE Select); coding-DNA position 6673, G replaced by A.
Protein change: p.Gly2225Arg; replaces glycine 2225 with arginine.
Molecular consequence: missense variant.
Genome position (GRCh38, 1-based): chr1:215,993,152, C>T on the plus strand (G>A on the coding strand, the complement: USH2A is on the minus strand). VCF-style: chr1-215993152-C-T. GRCh37 (hg19) VCF-style: chr1-216166494-C-T.
Other names: c.6673G>A (NM_206933.2); short protein forms G2225R.
Identifiers: ClinVar variation 1490169 (VCV001490169.5), dbSNP rs138340157, ClinGen allele CA1395066.

ClinVar aggregate classification (germline): Uncertain significance. Review status: criteria provided, multiple submitters, no conflicts (2 of 4 stars). 3 submissions from 3 submitters: Uncertain significance (3). Last evaluated 2024-07-17.

Conditions:
Inborn genetic diseases. Identifiers: MedGen C0950123, MeSH D030342.

Allele frequency attached by ClinVar (database versions not stated): gnomAD exomes below 0.00001; ExAC 0.00001; gnomAD 0.00001; TOPMed 0.00001; ESP Exome Variant Server 0.00008.
gnomAD v4.1: 4 of 1,613,940 alleles (0.00025%); highest among the groups gnomAD compares: African/African-American, 0.0053%; no homozygotes.

Submissions (3):

Ambry Genetics
Classification: Uncertain significance for Inborn genetic diseases. Last evaluated: 2024-07-17. Review status: criteria provided, single submitter. Criteria: Ambry Variant Classification Scheme 2023. Collection method: clinical testing. Allele origin: germline.

Labcorp Genetics (formerly Invitae), Labcorp
Classification: Uncertain significance. Last evaluated: 2022-06-13. Review status: criteria provided, single submitter. Criteria: Invitae Variant Classification Sherloc (09022015). Collection method: clinical testing. Allele origin: germline.
Comment: This sequence change replaces glycine, which is neutral and non-polar, with arginine, which is basic and polar, at codon 2225 of the USH2A protein (p.Gly2225Arg). This variant is present in population databases (rs138340157, gnomAD 0.004%). This variant has not been reported in the literature in individuals affected with USH2A-related conditions. Algorithms developed to predict the effect of missense changes on protein structure and function (SIFT, PolyPhen-2, Align-GVGD) all suggest that this variant is likely to be disruptive. In summary, the available evidence is currently insufficient to determine the role of this variant in disease. Therefore, it has been classified as a Variant of Uncertain Significance.

Blueprint Genetics
Classification: Uncertain significance. Last evaluated: 2018-08-06. Review status: criteria provided, single submitter. Criteria: ACMG Guidelines, 2015. Collection method: clinical testing. Allele origin: germline.